The following is an entry in ClinVar:

ClinVar aggregate classification (germline): Uncertain significance (1 of 4 stars; one submission).

Allele frequency attached by ClinVar (database versions not stated): gnomAD 0.00001; gnomAD exomes 0.00001; ExAC 0.00002; TOPMed 0.00002.
gnomAD v4.1: 16 of 1,613,284 alleles (0.00099%); highest among the groups gnomAD compares: Non-Finnish European, 0.0014%; no homozygotes.

Submission:

Labcorp Genetics (formerly Invitae), Labcorp
Classification: Uncertain significance. Last evaluated: 2023-08-16. Review status: criteria provided, single submitter. Criteria: Invitae Variant Classification Sherloc (09022015). Collection method: clinical testing. Allele origin: germline.
Comment: Variants that disrupt the consensus splice site are a relatively common cause of aberrant splicing (PMID: 17576681, 9536098). Algorithms developed to predict the effect of sequence changes on RNA splicing suggest that this variant may create or strengthen a splice site. This sequence change falls in intron 5 of the CRYM gene. It does not directly change the encoded amino acid sequence of the CRYM protein. It affects a nucleotide within the consensus splice site. This variant is present in population databases (rs767137209, gnomAD 0.003%). This variant has not been reported in the literature in individuals affected with CRYM-related conditions. ClinVar contains an entry for this variant (Variation ID: 1915718). In summary, the available evidence is currently insufficient to determine the role of this variant in disease. Therefore, it has been classified as a Variant of Uncertain Significance.

Literature cited by the submitters: PubMed 17576681; PubMed 9536098.

NM_001376256.1(CRYM):c.387+4A>G

Gene: CRYM (crystallin mu; minus strand). Cytogenetic location: 16p12.2.
Variant type: single nucleotide variant.
Coding change: c.387+4A>G on transcript NM_001376256.1 (MANE Select); 4 bases into the intron after coding-DNA position 387, A replaced by G.
Molecular consequence: intron variant.
Genome position (GRCh38, 1-based): chr16:21,275,528, T>C on the plus strand (A>G on the coding strand, the complement: CRYM is on the minus strand). VCF-style: chr16-21275528-T-C. GRCh37 (hg19) VCF-style: chr16-21286849-T-C.
Other names: c.387+4A>G (NM_001888.5).
Identifiers: ClinVar variation 1915718 (VCV001915718.5), dbSNP rs767137209, ClinGen allele CA7950748.